The following is an entry in ClinVar:

NM_001267550.2(TTN):c.79878G>A (p.Trp26626Ter)

Genes: TTN (titin; minus strand), TTN-AS1 (TTN antisense RNA 1; plus strand). Cytogenetic location: 2q31.2.
Variant type: single nucleotide variant.
Coding change: c.79878G>A on transcript NM_001267550.2 (MANE Select); coding-DNA position 79878, G replaced by A.
Protein change: p.Trp26626Ter; replaces tryptophan 26626 with a stop codon.
Molecular consequence: nonsense.
Genome position (GRCh38, 1-based): chr2:178,566,254, C>T on the plus strand (G>A on the coding strand, the complement: TTN is on the minus strand). VCF-style: chr2-178566254-C-T. GRCh37 (hg19) VCF-style: chr2-179430981-C-T.
Other names: c.74955G>A, p.Trp24985Ter (NM_001256850.1); c.52683G>A, p.Trp17561Ter (NM_003319.4); c.72174G>A, p.Trp24058Ter (NM_133378.4); c.53058G>A, p.Trp17686Ter (NM_133432.3); c.53259G>A, p.Trp17753Ter (NM_133437.4); short protein forms W24985*, W26626*, W17686*, W17753*, W24058*, W17561*.
Identifiers: ClinVar variation 956938 (VCV000956938.11), dbSNP rs1705798888, ClinGen allele CA349593163.

ClinVar aggregate classification (germline): Likely pathogenic (1 of 4 stars; one submission).

Conditions:
Dilated cardiomyopathy 1G (CMD1G). Identifiers: Orphanet 154, MedGen C1858763, MONDO:0011400, OMIM 604145.
Autosomal recessive limb-girdle muscular dystrophy type 2J (LGMDR10). Also called: Limb-girdle muscular dystrophy, type 2J; MUSCULAR DYSTROPHY, LIMB-GIRDLE, AUTOSOMAL RECESSIVE 10. Identifiers: Orphanet 140922, MedGen C1837342, MONDO:0012127, OMIM 608807.

Submission:

Labcorp Genetics (formerly Invitae), Labcorp
Classification: Likely pathogenic for Dilated cardiomyopathy 1G; Autosomal recessive limb-girdle muscular dystrophy type 2J. Last evaluated: 2025-11-24. Review status: criteria provided, single submitter. Criteria: Invitae Variant Classification Sherloc (09022015). Collection method: clinical testing. Allele origin: germline.
Comment: This sequence change creates a premature translational stop signal (p.Trp26626*) in the TTN gene. While this is not anticipated to result in nonsense mediated decay, it is expected to create a truncated TTN protein. This variant is not present in population databases (gnomAD no frequency). This premature translational stop signal has been observed in individual(s) with dilated cardiomyopathy (internal data). ClinVar contains an entry for this variant (Variation ID: 956938). This variant is located in the A band of TTN (PMID: 25589632). Truncating variants in this region are significantly overrepresented in patients affected with dilated cardiomyopathy (PMID: 25589632). Truncating variants in this region have also been reported in individuals affected with autosomal recessive centronuclear myopathy (PMID: 23975875). In summary, the currently available evidence indicates that the variant is pathogenic, but additional data are needed to prove that conclusively. Therefore, this variant has been classified as Likely Pathogenic.

Literature cited by the submitters: PubMed 25589632; PubMed 23975875.